The following is an entry in ClinVar:

NM_004364.5(CEBPA):c.389G>T (p.Gly130Val)

Gene: CEBPA (CCAAT enhancer binding protein alpha; minus strand). Cytogenetic location: 19q13.11.
Variant type: single nucleotide variant.
Coding change: c.389G>T on transcript NM_004364.5 (MANE Select); coding-DNA position 389, G replaced by T.
Protein change: p.Gly130Val; replaces glycine 130 with valine.
Molecular consequence: missense variant.
Genome position (GRCh38, 1-based): chr19:33,302,026, C>A on the plus strand (G>T on the coding strand, the complement: CEBPA is on the minus strand). VCF-style: chr19-33302026-C-A. GRCh37 (hg19) VCF-style: chr19-33792932-C-A.
Other names: c.32G>T, p.Gly11Val (NM_001285829.2); c.494G>T, p.Gly165Val (NM_001287424.2); c.347G>T, p.Gly116Val (NM_001287435.2); short protein forms G130V, G165V, G116V, G11V.
Identifiers: ClinVar variation 1949528 (VCV001949528.6), dbSNP rs1309134754, ClinGen allele CA405275056.

ClinVar aggregate classification (germline): Conflicting classifications of pathogenicity. Review status: criteria provided, conflicting classifications (1 of 4 stars). 2 submissions from 2 submitters: Uncertain significance (1); Likely benign (1). Last evaluated 2026-07-20.

Conditions:
Inborn genetic diseases. Identifiers: MedGen C0950123, MeSH D030342.
Acute myeloid leukemia (AML). Also called: Acute myeloid leukemia, adult; AML adult; Acute non-lymphocytic leukemia; Acute granulocytic leukemia; Leukemia, acute myeloid, somatic; Leukemia, acute myelogenous, somatic. Identifiers: Orphanet 519, MedGen C0023467, MeSH D015470, MONDO:0018874, OMIM 601626, HP:0004808. Disease mechanism: Constitutively activated FLT3.

Allele frequency attached by ClinVar (database versions not stated): gnomAD 0.00001; TOPMed 0.00001; gnomAD exomes 0.00002.
gnomAD v4.1: 6 of 1,180,466 alleles (0.00051%); highest among the groups gnomAD compares: Non-Finnish European, 0.00021%; no homozygotes.

Submissions (2):

Ambry Genetics
Classification: Likely benign for Inborn genetic diseases. Last evaluated: 2026-07-20. Review status: criteria provided, single submitter. Criteria: Ambry Variant Classification Scheme 2023. Collection method: clinical testing. Allele origin: germline.

Labcorp Genetics (formerly Invitae), Labcorp
Classification: Uncertain significance for Acute myeloid leukemia. Last evaluated: 2023-02-14. Review status: criteria provided, single submitter. Criteria: Invitae Variant Classification Sherloc (09022015). Collection method: clinical testing. Allele origin: germline.
Comment: In summary, the available evidence is currently insufficient to determine the role of this variant in disease. Therefore, it has been classified as a Variant of Uncertain Significance. Advanced modeling of protein sequence and biophysical properties (such as structural, functional, and spatial information, amino acid conservation, physicochemical variation, residue mobility, and thermodynamic stability) performed at Invitae indicates that this missense variant is not expected to disrupt CEBPA protein function. This variant has not been reported in the literature in individuals affected with CEBPA-related conditions. The frequency data for this variant in the population databases is considered unreliable, as metrics indicate insufficient coverage at this position in the gnomAD database. This sequence change replaces glycine, which is neutral and non-polar, with valine, which is neutral and non-polar, at codon 130 of the CEBPA protein (p.Gly130Val).

Literature cited by the submitters: PubMed 25987038 (cited by Ambry Genetics).